The following is an entry in ClinVar:

NM_177438.3(DICER1):c.3323T>A (p.Ile1108Asn)

Gene: DICER1 (dicer 1, ribonuclease III; minus strand). Cytogenetic location: 14q32.13.
Variant type: single nucleotide variant.
Coding change: c.3323T>A on transcript NM_177438.3 (MANE Select); coding-DNA position 3323, T replaced by A.
Protein change: p.Ile1108Asn; replaces isoleucine 1108 with asparagine.
Molecular consequence: missense variant. On other transcripts: non-coding transcript variant (4).
Genome position (GRCh38, 1-based): chr14:95,104,073, A>T on the plus strand (T>A on the coding strand, the complement: DICER1 is on the minus strand). VCF-style: chr14-95104073-A-T. GRCh37 (hg19) VCF-style: chr14-95570410-A-T.
Other names: c.3323T>A, p.Ile1108Asn (NM_001195573.1, NM_001271282.3, NM_001291628.2 and 13 more transcripts); c.3041T>A, p.Ile1014Asn (NM_001395686.1); c.2918T>A, p.Ile973Asn (NM_001395687.1, NM_001395688.1, NM_001395689.1 and 2 more transcripts); c.2756T>A, p.Ile919Asn (NM_001395691.1); c.1640T>A, p.Ile547Asn (NM_001395697.1); short protein forms I1108N, I547N, I1014N, I919N, I973N.
Identifiers: ClinVar variation 1730224 (VCV001730224.2), dbSNP rs2139971077, ClinGen allele CA390875907.

ClinVar aggregate classification (germline): Uncertain significance (1 of 4 stars; one submission).

Conditions:
Hereditary cancer-predisposing syndrome. Also called: Neoplastic Syndromes, Hereditary; Tumor predisposition; Hereditary Cancer Syndrome; Hereditary neoplastic syndrome. Identifiers: Orphanet 140162, MedGen C0027672, MeSH D009386, MONDO:0015356.

Submission:

Ambry Genetics
Classification: Uncertain significance for Hereditary cancer-predisposing syndrome. Last evaluated: 2021-03-26. Review status: criteria provided, single submitter. Criteria: Ambry Variant Classification Scheme 2023. Collection method: clinical testing. Allele origin: germline.
Comment: The p.I1108N variant (also known as c.3323T>A), located in coding exon 20 of the DICER1 gene, results from a T to A substitution at nucleotide position 3323. The isoleucine at codon 1108 is replaced by asparagine, an amino acid with dissimilar properties. This amino acid position is highly conserved in available vertebrate species. In addition, the in silico prediction for this alteration is inconclusive. Since supporting evidence is limited at this time, the clinical significance of this alteration remains unclear.